The following is an entry in ClinVar:

ClinVar aggregate classification (germline): Uncertain significance (1 of 4 stars; one submission).

gnomAD v4.1: 1 of 1,614,024 alleles (0.000062%); highest among the groups gnomAD compares: Non-Finnish European, 0.000085%; no homozygotes.

Submission:

Labcorp Genetics (formerly Invitae), Labcorp
Classification: Uncertain significance. Last evaluated: 2022-01-11. Review status: criteria provided, single submitter. Criteria: Invitae Variant Classification Sherloc (09022015). Collection method: clinical testing. Allele origin: germline.
Comment: This sequence change replaces isoleucine, which is neutral and non-polar, with leucine, which is neutral and non-polar, at codon 847 of the TBCK protein (p.Ile847Leu). This variant is not present in population databases (gnomAD no frequency). This variant has not been reported in the literature in individuals affected with TBCK-related conditions. Algorithms developed to predict the effect of missense changes on protein structure and function (SIFT, PolyPhen-2, Align-GVGD) all suggest that this variant is likely to be tolerated. In summary, the available evidence is currently insufficient to determine the role of this variant in disease. Therefore, it has been classified as a Variant of Uncertain Significance.

NM_001163435.3(TBCK):c.2539A>C (p.Ile847Leu)

Gene: TBCK (TBC1 domain containing kinase; minus strand). Cytogenetic location: 4q24.
Variant type: single nucleotide variant.
Coding change: c.2539A>C on transcript NM_001163435.3 (MANE Select); coding-DNA position 2539, A replaced by C.
Protein change: p.Ile847Leu; replaces isoleucine 847 with leucine.
Molecular consequence: missense variant.
Genome position (GRCh38, 1-based): chr4:106,095,514, T>G on the plus strand (A>C on the coding strand, the complement: TBCK is on the minus strand). VCF-style: chr4-106095514-T-G. GRCh37 (hg19) VCF-style: chr4-107016671-T-G.
Other names: c.2539A>C, p.Ile847Leu (NM_001163436.4); c.2422A>C, p.Ile808Leu (NM_001163437.3); c.2023A>C, p.Ile675Leu (NM_001290768.2); c.2350A>C, p.Ile784Leu (NM_033115.5); short protein forms I784L, I675L, I808L, I847L.
Identifiers: ClinVar variation 2079273 (VCV002079273.4), dbSNP rs2477599452, ClinGen allele CA357970615.